The following is an entry in ClinVar:

ClinVar aggregate classification (germline): Uncertain significance (1 of 4 stars; one submission).

Submission:

Ambry Genetics
Classification: Uncertain significance. Last evaluated: 2021-12-14. Review status: criteria provided, single submitter. Criteria: Ambry Variant Classification Scheme 2023. Collection method: clinical testing. Allele origin: germline.
Comment: The p.C740S variant (also known as c.2219G>C), located in coding exon 12 of the PALLD gene, results from a G to C substitution at nucleotide position 2219. The cysteine at codon 740 is replaced by serine, an amino acid with dissimilar properties. This amino acid position is conserved. In addition, this alteration is predicted to be tolerated by in silico analysis. Since supporting evidence is limited at this time, the clinical significance of this alteration remains unclear.

NM_001166108.2(PALLD):c.2270G>C (p.Cys757Ser)

Genes: CBR4 (carbonyl reductase 4; minus strand), PALLD (palladin, cytoskeletal associated protein; plus strand). Cytogenetic location: 4q32.3.
Variant type: single nucleotide variant.
Coding change: c.2270G>C on transcript NM_001166108.2 (MANE Select); coding-DNA position 2270, G replaced by C.
Protein change: p.Cys757Ser; replaces cysteine 757 with serine.
Molecular consequence: missense variant.
Genome position (GRCh38, 1-based): chr4:168,898,512, G>C. VCF-style: chr4-168898512-G-C. GRCh37 (hg19) VCF-style: chr4-169819663-G-C.
Other names: c.1073G>C, p.Cys358Ser (NM_001166109.2); c.758G>C, p.Cys253Ser (NM_001166110.2); c.98G>C, p.Cys33Ser (NM_001367567.1, NM_001367569.1); c.149G>C, p.Cys50Ser (NM_001367568.1, NM_001367570.1); c.2219G>C, p.Cys740Ser (NM_016081.4); short protein forms C358S, C757S, C253S, C33S, C740S, C50S.
Identifiers: ClinVar variation 1787890 (VCV001787890.2), dbSNP rs2533730818, ClinGen allele CA358798586.